The following is an entry in ClinVar:

NM_030665.4(RAI1):c.5265C>A (p.Pro1755=)

Gene: RAI1 (retinoic acid induced 1; plus strand). Cytogenetic location: 17p11.2.
Variant type: single nucleotide variant.
Coding change: c.5265C>A on transcript NM_030665.4 (MANE Select); coding-DNA position 5265, C replaced by A.
Protein change: p.Pro1755=; no amino-acid change (proline 1755 retained).
Molecular consequence: synonymous variant.
Genome position (GRCh38, 1-based): chr17:17,798,213, C>A. VCF-style: chr17-17798213-C-A. GRCh37 (hg19) VCF-style: chr17-17701527-C-A.
Other names: c.5265C>A (NM_030665.3).
Identifiers: ClinVar variation 2780502 (VCV002780502.4), dbSNP rs554959103, ClinGen allele CA288371935.
Genomic context (GRCh38, chr17:17,798,213, plus strand): 5'-GCTTGAGAGAACACTCAAAGGTCCCGAGTGTGCAGCTGCCGCCACTGCCGGGAAGCCCCC[C>A]AGGCCTGACGGCCCAGCTGACCCGGCCAAGCAGGGCCCACTGCGCACCAGTGCCCGGGGC-3'
Protein context (NP_109590.3, residues 1745-1765): CAAAATAGKP[Pro1755=]RPDGPADPAK

ClinVar aggregate classification (germline): Likely benign. Review status: criteria provided, single submitter (1 of 4 stars). 2 submissions from 2 submitters: Likely benign (1). 1 of the submissions does not count toward it. Last evaluated 2023-02-14.

Conditions:
RAI1-related disorder. Also called: RAI1-related condition.

gnomAD v4.1: 18 of 1,612,432 alleles (0.0011%); highest among the groups gnomAD compares: East Asian, 0.02%; no homozygotes.

Submissions (2):

Labcorp Genetics (formerly Invitae), Labcorp
Classification: Likely benign. Last evaluated: 2023-02-14. Review status: criteria provided, single submitter. Criteria: Invitae Variant Classification Sherloc (09022015). Collection method: clinical testing. Allele origin: germline.

PreventionGenetics, part of Exact Sciences
Classification: Likely benign for RAI1-related condition. Last evaluated: 2021-02-19. Review status: no assertion criteria provided. Collection method: clinical testing. Allele origin: germline. Not counted in ClinVar's aggregate classification.
Comment: This variant is classified as likely benign based on ACMG/AMP sequence variant interpretation guidelines (Richards et al. 2015 PMID: 25741868, with internal and published modifications).